The following is an entry in ClinVar:

NM_017534.6(MYH2):c.3027C>G (p.His1009Gln)

Genes: MYH2 (myosin heavy chain 2; minus strand), MYHAS (myosin heavy chain gene cluster antisense RNA; plus strand). Cytogenetic location: 17p13.1.
Variant type: single nucleotide variant.
Coding change: c.3027C>G on transcript NM_017534.6 (MANE Select); coding-DNA position 3027, C replaced by G.
Protein change: p.His1009Gln; replaces histidine 1009 with glutamine.
Molecular consequence: missense variant.
Genome position (GRCh38, 1-based): chr17:10,529,654, G>C on the plus strand (C>G on the coding strand, the complement: MYH2 is on the minus strand). VCF-style: chr17-10529654-G-C. GRCh37 (hg19) VCF-style: chr17-10432971-G-C.
Other names: c.3027C>G, p.His1009Gln (NM_001100112.2); short protein forms H1009Q.
Identifiers: ClinVar variation 1004204 (VCV001004204.5), dbSNP rs761382091, ClinGen allele CA8391020.
Genomic context (GRCh38, chr17:10,529,654, plus strand): 5'-AGCTTTGGTCAGGGTGTTGACTTTGTCCTCCTCTGCCTGCAGGTCATCCAGGGTCTGCTG[G>C]TGGGCCTCCTGGAGAGCCTTCTTCTCCTTGGTCAGCTTAGCAATGGTTTCATCCAGACCT-3'
Protein context (NP_060004.3, residues 999-1019): TKEKKALQEA[His1009Gln]QQTLDDLQAE

ClinVar aggregate classification (germline): Uncertain significance (1 of 4 stars; one submission).

Conditions:
Myopathy, proximal, and ophthalmoplegia (CMYO6). Also called: INCLUSION BODY MYOPATHY 3, AUTOSOMAL DOMINANT; CONGENITAL MYOPATHY 6 WITH OPHTHALMOPLEGIA; MYOPATHY WITH CONGENITAL JOINT CONTRACTURES, OPHTHALMOPLEGIA, AND RIMMED VACUOLES. Identifiers: Orphanet 363677, Orphanet 79091, MedGen C1854106, MONDO:0011577, OMIM 605637.

Allele frequency attached by ClinVar (database versions not stated): TOPMed below 0.00001; ExAC 0.00001; gnomAD exomes 0.00001 and 0.00002.
gnomAD v4.1: 33 of 1,613,992 alleles (0.002%); highest among the groups gnomAD compares: South Asian, 0.0077%; no homozygotes.

Submission:

Labcorp Genetics (formerly Invitae), Labcorp
Classification: Uncertain significance for Myopathy, proximal, and ophthalmoplegia. Last evaluated: 2025-08-20. Review status: criteria provided, single submitter. Criteria: Invitae Variant Classification Sherloc (09022015). Collection method: clinical testing. Allele origin: germline.
Comment: This sequence change replaces histidine, which is basic and polar, with glutamine, which is neutral and polar, at codon 1009 of the MYH2 protein (p.His1009Gln). This variant is present in population databases (rs761382091, gnomAD 0.003%). This variant has not been reported in the literature in individuals affected with MYH2-related conditions. ClinVar contains an entry for this variant (Variation ID: 1004204). Invitae Evidence Modeling of protein sequence and biophysical properties (such as structural, functional, and spatial information, amino acid conservation, physicochemical variation, residue mobility, and thermodynamic stability) indicates that this missense variant is not expected to disrupt MYH2 protein function with a negative predictive value of 80%. In summary, the available evidence is currently insufficient to determine the role of this variant in disease. Therefore, it has been classified as a Variant of Uncertain Significance.